The following is an entry in ClinVar:

NM_007327.4(GRIN1):c.632C>T (p.Ala211Val)

Gene: GRIN1 (glutamate ionotropic receptor NMDA type subunit 1; plus strand). Cytogenetic location: 9q34.3.
Variant type: single nucleotide variant.
Coding change: c.632C>T on transcript NM_007327.4 (MANE Select); coding-DNA position 632, C replaced by T.
Protein change: p.Ala211Val; replaces alanine 211 with valine.
Molecular consequence: missense variant.
Genome position (GRCh38, 1-based): chr9:137,149,070, C>T. VCF-style: chr9-137149070-C-T. GRCh37 (hg19) VCF-style: chr9-140043522-C-T.
Other names: c.632C>T, p.Ala211Val (NM_000832.7, NM_021569.4); c.695C>T, p.Ala232Val (NM_001185090.2, NM_001185091.2); short protein forms A211V, A232V.
Identifiers: ClinVar variation 2118820 (VCV002118820.4), dbSNP rs11575901, ClinGen allele CA201733664.

ClinVar aggregate classification (germline): Uncertain significance (1 of 4 stars; one submission).

Conditions:
Neurodevelopmental disorder with or without hyperkinetic movements and seizures, autosomal dominant. Also called: Intellectual disability, autosomal dominant 8. Identifiers: MedGen C3280282, MONDO:0013655, OMIM 614254.

Allele frequency attached by ClinVar (database versions not stated): gnomAD 0.00001; 1000 Genomes Project 30x 0.00016.
gnomAD v4.1: 3 of 1,613,268 alleles (0.00019%); highest among the groups gnomAD compares: East Asian, 0.0022%; no homozygotes.

Submission:

Labcorp Genetics (formerly Invitae), Labcorp
Classification: Uncertain significance for Neurodevelopmental disorder with or without hyperkinetic movements and seizures, autosomal dominant. Last evaluated: 2022-06-24. Review status: criteria provided, single submitter. Criteria: Invitae Variant Classification Sherloc (09022015). Collection method: clinical testing. Allele origin: germline.
Comment: Advanced modeling of protein sequence and biophysical properties (such as structural, functional, and spatial information, amino acid conservation, physicochemical variation, residue mobility, and thermodynamic stability) performed at Invitae indicates that this missense variant is expected to disrupt GRIN1 protein function. This sequence change replaces alanine, which is neutral and non-polar, with valine, which is neutral and non-polar, at codon 211 of the GRIN1 protein (p.Ala211Val). This variant is not present in population databases (gnomAD no frequency). This variant has not been reported in the literature in individuals affected with GRIN1-related conditions. In summary, the available evidence is currently insufficient to determine the role of this variant in disease. Therefore, it has been classified as a Variant of Uncertain Significance.